The following is an entry in ClinVar:

NM_033448.3(KRT71):c.352G>A (p.Glu118Lys)

Gene: KRT71 (keratin 71; minus strand). Cytogenetic location: 12q13.13.
Variant type: single nucleotide variant.
Coding change: c.352G>A on transcript NM_033448.3 (MANE Select); coding-DNA position 352, G replaced by A.
Protein change: p.Glu118Lys; replaces glutamic acid 118 with lysine.
Molecular consequence: missense variant.
Genome position (GRCh38, 1-based): chr12:52,552,726, C>T on the plus strand (G>A on the coding strand, the complement: KRT71 is on the minus strand). VCF-style: chr12-52552726-C-T. GRCh37 (hg19) VCF-style: chr12-52946510-C-T.
Other names: c.352G>A (NM_033448.2); short protein forms E118K.
Identifiers: ClinVar variation 2865132 (VCV002865132.4), dbSNP rs61732729, ClinGen allele CA6583485.

ClinVar aggregate classification (germline): Uncertain significance. Review status: criteria provided, multiple submitters, no conflicts (2 of 4 stars). 2 submissions from 2 submitters: Uncertain significance (2). Last evaluated 2025-05-05.

Allele frequency attached by ClinVar (database versions not stated): gnomAD 0.00013; ExAC 0.00006; TOPMed 0.00013; ESP Exome Variant Server 0.00015; gnomAD exomes 0.00022.
gnomAD v4.1: 334 of 1,613,934 alleles (0.021%); highest among the groups gnomAD compares: Non-Finnish European, 0.027%; no homozygotes.

Submissions (2):

Labcorp Genetics (formerly Invitae), Labcorp
Classification: Uncertain significance. Last evaluated: 2025-05-05. Review status: criteria provided, single submitter. Criteria: Invitae Variant Classification Sherloc (09022015). Collection method: clinical testing. Allele origin: germline.
Comment: This sequence change replaces glutamic acid, which is acidic and polar, with lysine, which is basic and polar, at codon 118 of the KRT71 protein (p.Glu118Lys). This variant is present in population databases (rs61732729, gnomAD 0.02%). This variant has not been reported in the literature in individuals affected with KRT71-related conditions. ClinVar contains an entry for this variant (Variation ID: 2865132). Invitae Evidence Modeling of protein sequence and biophysical properties (such as structural, functional, and spatial information, amino acid conservation, physicochemical variation, residue mobility, and thermodynamic stability) indicates that this missense variant is not expected to disrupt KRT71 protein function with a negative predictive value of 80%. In summary, the available evidence is currently insufficient to determine the role of this variant in disease. Therefore, it has been classified as a Variant of Uncertain Significance.

Ambry Genetics
Classification: Uncertain significance. Last evaluated: 2021-07-06. Review status: criteria provided, single submitter. Criteria: Ambry Variant Classification Scheme 2023. Collection method: clinical testing. Allele origin: germline.